The following is an entry in ClinVar:

ClinVar aggregate classification (germline): Uncertain significance (1 of 4 stars; one submission).

Conditions:
Peroxisome biogenesis disorder 5A (Zellweger) (PBD5A). Identifiers: Orphanet 912, MedGen C3553940, MONDO:0013932, OMIM 614866.

Submission:

Labcorp Genetics (formerly Invitae), Labcorp
Classification: Uncertain significance for Peroxisome biogenesis disorder 5A (Zellweger). Last evaluated: 2022-03-13. Review status: criteria provided, single submitter. Criteria: Invitae Variant Classification Sherloc (09022015). Collection method: clinical testing. Allele origin: germline.
Comment: This sequence change replaces phenylalanine, which is neutral and non-polar, with isoleucine, which is neutral and non-polar, at codon 37 of the PEX2 protein (p.Phe37Ile). In summary, the available evidence is currently insufficient to determine the role of this variant in disease. Therefore, it has been classified as a Variant of Uncertain Significance. Algorithms developed to predict the effect of missense changes on protein structure and function are either unavailable or do not agree on the potential impact of this missense change (SIFT: "Tolerated"; PolyPhen-2: "Possibly Damaging"; Align-GVGD: "Class C0"). This variant has not been reported in the literature in individuals affected with PEX2-related conditions. This variant is not present in population databases (gnomAD no frequency).

NM_000318.3(PEX2):c.109T>A (p.Phe37Ile)

Gene: PEX2 (peroxisomal biogenesis factor 2; minus strand). Cytogenetic location: 8q21.13.
Variant type: single nucleotide variant.
Coding change: c.109T>A on transcript NM_000318.3 (MANE Select); coding-DNA position 109, T replaced by A.
Protein change: p.Phe37Ile; replaces phenylalanine 37 with isoleucine.
Molecular consequence: missense variant.
Genome position (GRCh38, 1-based): chr8:76,984,070, A>T on the plus strand (T>A on the coding strand, the complement: PEX2 is on the minus strand). VCF-style: chr8-76984070-A-T. GRCh37 (hg19) VCF-style: chr8-77896306-A-T.
Other names: c.109T>A, p.Phe37Ile (NM_001079867.2, NM_001172086.2, NM_001172087.2); short protein forms F37I.
Identifiers: ClinVar variation 2111474 (VCV002111474.4), dbSNP rs2487453622, ClinGen allele CA371558077.